The following is an entry in ClinVar:

NM_002816.5(PSMD12):c.1246del (p.Gln416fs)

Gene: PSMD12 (proteasome 26S subunit, non-ATPase 12; minus strand). Cytogenetic location: 17q24.2.
Variant type: Deletion.
Coding change: c.1246del on transcript NM_002816.5 (MANE Select); coding-DNA position 1246, one base deleted (C; older notation c.1246delC).
Protein change: p.Gln416fs; shifts the reading frame from glutamine 416.
Molecular consequence: frameshift variant.
Genome position (GRCh38, 1-based): chr17:67,340,968, G deleted on the plus strand (C on the coding strand, the reverse complement: PSMD12 is on the minus strand); the first of 2 consecutive G bases (chr17:67,340,968-67,340,969); deleting either gives the same sequence. VCF-style (leftmost placement, unchanged base first): chr17-67340967-TG-T. GRCh37 (hg19) VCF-style: chr17-65337083-TG-T.
Other names: c.1069del, p.Gln357fs (NM_001316341.2); c.1186del, p.Gln396fs (NM_174871.4); short protein forms Q357fs, Q396fs, Q416fs.
Identifiers: ClinVar variation 4526987 (VCV004526987.1).

ClinVar aggregate classification (germline): Pathogenic (1 of 4 stars; one submission).

Submission:

GeneDx
Classification: Pathogenic. Last evaluated: 2025-04-29. Review status: criteria provided, single submitter. Criteria: GeneDx Variant Classification Process June 2021. Collection method: clinical testing. Allele origin: germline. Affected: yes.
Comment: Frameshift variant predicted to result in protein truncation, as the last 41 amino acids are replaced with 9 different amino acids, and other loss-of-function variants have been reported downstream in HGMD; Not observed at significant frequency in large population cohorts (gnomAD); Has not been previously published as pathogenic or benign to our knowledge